The following is an entry in ClinVar:

NM_198390.3(CMIP):c.2229C>T (p.Asn743=)

Gene: CMIP (c-Maf inducing protein; plus strand). Cytogenetic location: 16q23.3.
Variant type: single nucleotide variant.
Coding change: c.2229C>T on transcript NM_198390.3 (MANE Select); coding-DNA position 2229, C replaced by T.
Protein change: p.Asn743=; no amino-acid change (asparagine 743 retained).
Molecular consequence: synonymous variant.
Genome position (GRCh38, 1-based): chr16:81,707,045, C>T. VCF-style: chr16-81707045-C-T. GRCh37 (hg19) VCF-style: chr16-81740650-C-T.
Other names: c.1947C>T, p.Asn649= (NM_030629.3).
Identifiers: ClinVar variation 731127 (VCV000731127.6), dbSNP rs368824151, ClinGen allele CA8192908.

ClinVar aggregate classification (germline): Likely benign. Review status: criteria provided, single submitter (1 of 4 stars). 2 submissions from 2 submitters: Likely benign (1). 1 of the submissions does not count toward it. Last evaluated 2019-12-31.

Conditions:
CMIP-related disorder. Also called: CMIP-related condition.

Allele frequency attached by ClinVar (database versions not stated): gnomAD exomes 0.00002 and 0.00007; ExAC 0.00009; gnomAD 0.00029 and 0.00031; TOPMed 0.00030.
gnomAD v4.1: 75 of 1,613,812 alleles (0.0046%); highest among the groups gnomAD compares: African/African-American, 0.092%; no homozygotes.

Submissions (2):

Labcorp Genetics (formerly Invitae), Labcorp
Classification: Likely benign. Last evaluated: 2019-12-31. Review status: criteria provided, single submitter. Criteria: Invitae Variant Classification Sherloc (09022015). Collection method: clinical testing. Allele origin: germline.

PreventionGenetics, part of Exact Sciences
Classification: Likely benign for CMIP-related condition. Last evaluated: 2019-05-24. Review status: no assertion criteria provided. Collection method: clinical testing. Allele origin: germline. Not counted in ClinVar's aggregate classification.
Comment: This variant is classified as likely benign based on ACMG/AMP sequence variant interpretation guidelines (Richards et al. 2015 PMID: 25741868, with internal and published modifications).